The following is an entry in ClinVar:

ClinVar aggregate classification (germline): Uncertain significance (1 of 4 stars; one submission).

Submission:

CeGaT Center for Human Genetics Tuebingen
Classification: Uncertain significance. Last evaluated: 2026-01-01. Review status: criteria provided, single submitter. Criteria: CeGaT Center For Human Genetics Tuebingen Variant Classification Criteria Version 2. Collection method: clinical testing. Allele origin: germline. Affected: yes. Observed: 1 variant allele.
Comment: SHANK2: PM2, BP1, BP4

NM_012309.5(SHANK2):c.4779G>A (p.Met1593Ile)

Gene: SHANK2 (SH3 and multiple ankyrin repeat domains 2; minus strand). Cytogenetic location: 11q13.3.
Variant type: single nucleotide variant.
Coding change: c.4779G>A on transcript NM_012309.5 (MANE Select); coding-DNA position 4779, G replaced by A.
Protein change: p.Met1593Ile; replaces methionine 1593 with isoleucine.
Molecular consequence: missense variant.
Genome position (GRCh38, 1-based): chr11:70,485,514, C>T on the plus strand (G>A on the coding strand, the complement: SHANK2 is on the minus strand). VCF-style: chr11-70485514-C-T. GRCh37 (hg19) VCF-style: chr11-70331619-C-T.
Other names: c.3642G>A, p.Met1214Ile (NM_001379226.1); c.4899G>A, p.Met1633Ile (NM_001441024.1); c.4728G>A, p.Met1576Ile (NM_001441025.1, NM_001441026.1, NM_001441027.1 and 8 more transcripts); c.4701G>A, p.Met1567Ile (NM_001441035.1, NM_001441036.1, NM_001441037.1); c.4656G>A, p.Met1552Ile (NM_001441038.1); c.3612G>A, p.Met1204Ile (NM_001441040.1); c.3564G>A, p.Met1188Ile (NM_001441041.1); c.3006G>A, p.Met1002Ile (NM_001441042.1); and 6 more; short protein forms M1002I, M1005I, M1188I, M1204I, M1214I, M1552I, M1567I, M1576I.
Identifiers: ClinVar variation 4822867 (VCV004822867.4).
Genomic context (GRCh38, chr11:70,485,514, plus strand): 5'-GCTTTTGATCTCTGTGACGTCGCCCCACAACTTGGAGGTCCTTGGCTGGAGAACCTTGGC[C>T]ATCCCAGGCTGGGCACTGCCCGGCGGGGGCGGGGGAGCGGGCGGGGGGATAACAAAGCTA-3'
Protein context (NP_036441.2, residues 1583-1603): PPPPGSAQPG[Met1593Ile]AKVLQPRTSK